The following is an entry in ClinVar:

NM_004958.4(MTOR):c.1942G>A (p.Ala648Thr)

Gene: MTOR (mechanistic target of rapamycin kinase; minus strand). Cytogenetic location: 1p36.22.
Variant type: single nucleotide variant.
Coding change: c.1942G>A on transcript NM_004958.4 (MANE Select); coding-DNA position 1942, G replaced by A.
Protein change: p.Ala648Thr; replaces alanine 648 with threonine.
Molecular consequence: missense variant.
Genome position (GRCh38, 1-based): chr1:11,238,462, C>T on the plus strand (G>A on the coding strand, the complement: MTOR is on the minus strand). VCF-style: chr1-11238462-C-T. GRCh37 (hg19) VCF-style: chr1-11298519-C-T.
Other names: c.1942G>A (LRG_734t1); short protein forms A648T.
Identifiers: ClinVar variation 648203 (VCV000648203.15), dbSNP rs748207893, ClinGen allele CA590607.

ClinVar aggregate classification (germline): Benign/Likely benign. Review status: criteria provided, multiple submitters, no conflicts (2 of 4 stars). 4 submissions from 4 submitters: Benign (1); Likely benign (3). Last evaluated 2026-05-01.

Conditions:
Inborn genetic diseases. Identifiers: MedGen C0950123, MeSH D030342.

Allele frequency attached by ClinVar (database versions not stated): gnomAD 0.00002 and 0.00003; TOPMed 0.00003; ExAC 0.00004; gnomAD exomes 0.00009.
gnomAD v4.1: 42 of 1,614,088 alleles (0.0026%); highest among the groups gnomAD compares: Admixed American, 0.045%; no homozygotes.

Submissions (4):

CeGaT Center for Human Genetics Tuebingen
Classification: Likely benign. Last evaluated: 2026-05-01. Review status: criteria provided, single submitter. Criteria: CeGaT Center For Human Genetics Tuebingen Variant Classification Criteria Version 2. Collection method: clinical testing. Allele origin: germline. Affected: yes. Observed: 1 variant allele.
Comment: MTOR: BS1

Labcorp Genetics (formerly Invitae), Labcorp
Classification: Benign. Last evaluated: 2025-11-03. Review status: criteria provided, single submitter. Criteria: Invitae Variant Classification Sherloc (09022015). Collection method: clinical testing. Allele origin: germline.

GeneDx
Classification: Likely benign. Last evaluated: 2021-10-14. Review status: criteria provided, single submitter. Criteria: GeneDx Variant Classification Process June 2021. Collection method: clinical testing. Allele origin: germline. Affected: yes.

Ambry Genetics
Classification: Likely benign for Inborn genetic diseases. Last evaluated: 2021-06-16. Review status: criteria provided, single submitter. Criteria: Ambry Variant Classification Scheme 2023. Collection method: clinical testing. Allele origin: germline.